The following is an entry in ClinVar:

NM_018993.4(RIN2):c.-36-2899G>A

Gene: RIN2 (Ras and Rab interactor 2; plus strand). Cytogenetic location: 20p11.23.
Variant type: single nucleotide variant.
Coding change: c.-36-2899G>A on transcript NM_018993.4 (MANE Select); 2899 bases into the intron before 36 bases upstream of the start codon, G replaced by A.
Molecular consequence: intron variant. On other transcripts: 5 prime UTR variant (1).
Genome position (GRCh38, 1-based): chr20:19,886,667, G>A. VCF-style: chr20-19886667-G-A. GRCh37 (hg19) VCF-style: chr20-19867311-G-A.
Other names: c.-3G>A (NM_001242581.2); c.-581-2899G>A (NM_001378238.1).
Identifiers: ClinVar variation 3049804 (VCV003049804.2), dbSNP rs2038209466, ClinGen allele CA2354177488.

ClinVar aggregate classification (germline): Likely benign (0 of 4 stars; one submission).

Conditions:
RIN2-related disorder. Also called: RIN2-related condition.

Submission:

PreventionGenetics, part of Exact Sciences
Classification: Likely benign for RIN2-related condition. Last evaluated: 2022-08-05. Review status: no assertion criteria provided. Collection method: clinical testing. Allele origin: germline.
Comment: This variant is classified as likely benign based on ACMG/AMP sequence variant interpretation guidelines (Richards et al. 2015 PMID: 25741868, with internal and published modifications).